The following is an entry in ClinVar:

NM_018972.4(GDAP1):c.805G>A (p.Gly269Arg)

Gene: GDAP1 (ganglioside induced differentiation associated protein 1; plus strand). Cytogenetic location: 8q21.11.
Variant type: single nucleotide variant.
Coding change: c.805G>A on transcript NM_018972.4 (MANE Select); coding-DNA position 805, G replaced by A.
Protein change: p.Gly269Arg; replaces glycine 269 with arginine.
Molecular consequence: missense variant. On other transcripts: intron variant (1).
Genome position (GRCh38, 1-based): chr8:74,364,095, G>A. VCF-style: chr8-74364095-G-A. GRCh37 (hg19) VCF-style: chr8-75276330-G-A.
Other names: c.601G>A, p.Gly201Arg (NM_001040875.4); c.478G>A, p.Gly160Arg (NM_001362929.2, NM_001362932.2); c.631G>A, p.Gly211Arg (NM_001362930.2); c.694+1042G>A (NM_001362931.2); short protein forms G160R, G201R, G211R, G269R.
Identifiers: ClinVar variation 1053608 (VCV001053608.10), dbSNP rs2131521657, ClinGen allele CA371550292.
Genomic context (GRCh38, chr8:74,364,095, plus strand): 5'-GTCTCACTCGCTGTCACATTGCATCGACTGAAGTTCCTGGGGTTTGCAAGGAGAAACTGG[G>A]GAAACGGAAAGCGACCAAACTTGGAAACCTATTACGAGCGTGTCTTGAAGAGAAAAACAT-3'
Protein context (NP_061845.2, residues 259-279): KFLGFARRNW[Gly269Arg]NGKRPNLETY

ClinVar aggregate classification (germline): Uncertain significance (1 of 4 stars; one submission).

Conditions:
Charcot-Marie-Tooth disease type 4A. Also called: Charcot-Marie-Tooth disease, demyelinating, autosomal recessive, type 4a. Identifiers: Orphanet 99948, MedGen C1859198, MONDO:0008961, OMIM 214400.

Allele frequency attached by ClinVar (database versions not stated): gnomAD exomes below 0.00001.
gnomAD v4.1: 5 of 1,614,148 alleles (0.00031%); highest among the groups gnomAD compares: Non-Finnish European, 0.00042%; no homozygotes.

Submission:

Labcorp Genetics (formerly Invitae), Labcorp
Classification: Uncertain significance for Charcot-Marie-Tooth disease type 4A. Last evaluated: 2025-05-06. Review status: criteria provided, single submitter. Criteria: Invitae Variant Classification Sherloc (09022015). Collection method: clinical testing. Allele origin: germline.
Comment: This sequence change replaces glycine, which is neutral and non-polar, with arginine, which is basic and polar, at codon 269 of the GDAP1 protein (p.Gly269Arg). This variant is not present in population databases (gnomAD no frequency). This missense change has been observed in individual(s) with Charcot-Marie-Tooth disease (PMID: 20685671, 32376792). In at least one individual the data is consistent with being in trans (on the opposite chromosome) from a pathogenic variant. ClinVar contains an entry for this variant (Variation ID: 1053608). Invitae Evidence Modeling of protein sequence and biophysical properties (such as structural, functional, and spatial information, amino acid conservation, physicochemical variation, residue mobility, and thermodynamic stability) indicates that this missense variant is not expected to disrupt GDAP1 protein function with a negative predictive value of 80%. In summary, the available evidence is currently insufficient to determine the role of this variant in disease. Therefore, it has been classified as a Variant of Uncertain Significance.

Literature cited by the submitters: PubMed 20685671; PubMed 32376792.